The following is an entry in ClinVar:

ClinVar aggregate classification (germline): Uncertain significance. Review status: criteria provided, multiple submitters, no conflicts (2 of 4 stars). 5 submissions from 4 submitters: Uncertain significance (5). Last evaluated 2024-05-10.

Conditions:
Cone-rod dystrophy 13 (CORD13). Identifiers: Orphanet 1872, MedGen C2750720, MONDO:0011987, OMIM 608194.
Leber congenital amaurosis 6 (LCA6). Identifiers: Orphanet 65, MedGen C1854260, MONDO:0013446, OMIM 613826.

Allele frequency attached by ClinVar (database versions not stated): gnomAD 0.00002 and 0.00003; TOPMed 0.00002.
gnomAD v4.1: 25 of 1,611,400 alleles (0.0016%); highest among the groups gnomAD compares: Middle Eastern, 0.016%; no homozygotes.

Submissions (5):

Blueprint Genetics
Classification: Uncertain significance. Last evaluated: 2024-05-10. Review status: criteria provided, single submitter. Criteria: ACMG Guidelines, 2015. Collection method: clinical testing. Allele origin: germline.

Labcorp Genetics (formerly Invitae), Labcorp
Classification: Uncertain significance for Leber congenital amaurosis 6; Cone-rod dystrophy 13. Last evaluated: 2022-08-23. Review status: criteria provided, single submitter. Criteria: Invitae Variant Classification Sherloc (09022015). Collection method: clinical testing. Allele origin: germline.
Comment: This sequence change replaces alanine, which is neutral and non-polar, with valine, which is neutral and non-polar, at codon 764 of the RPGRIP1 protein (p.Ala764Val). This variant is present in population databases (rs758652031, gnomAD 0.01%). This missense change has been observed in individual(s) with primary open angle glaucoma (PMID: 21224891). ClinVar contains an entry for this variant (Variation ID: 1047479). Algorithms developed to predict the effect of missense changes on protein structure and function are either unavailable or do not agree on the potential impact of this missense change (SIFT: "Tolerated"; PolyPhen-2: "Possibly Damaging"; Align-GVGD: "Class C0"). Experimental studies have shown that this missense change does not substantially affect RPGRIP1 function (PMID: 21224891). Algorithms developed to predict the effect of sequence changes on RNA splicing suggest that this variant may create or strengthen a splice site. In summary, the available evidence is currently insufficient to determine the role of this variant in disease. Therefore, it has been classified as a Variant of Uncertain Significance.

Genome-Nilou Lab
Classification: Uncertain significance for Leber congenital amaurosis 6. Last evaluated: 2021-11-07. Review status: criteria provided, single submitter. Criteria: ACMG Guidelines, 2015. Collection method: clinical testing. Allele origin: germline. Affected: no.

Genome-Nilou Lab
Classification: Uncertain significance for Cone-rod dystrophy 13. Last evaluated: 2021-11-07. Review status: criteria provided, single submitter. Criteria: ACMG Guidelines, 2015. Collection method: clinical testing. Allele origin: germline. Affected: no.

Ocular Genomics Institute, Massachusetts Eye and Ear
Classification: Uncertain significance for Leber congenital amaurosis 6. Last evaluated: 2021-04-08. Review status: criteria provided, single submitter. Criteria: ACMG Guidelines, 2015. Collection method: research. Allele origin: germline. Affected: yes.
Comment: Through a review of available evidence we were able to apply the following criteria: PM2. Based on this evidence we have classified this variant as Variant of Uncertain Significance.

Literature cited by the submitters: PubMed 21224891 (cited by Labcorp Genetics (formerly Invitae), Labcorp).

NM_020366.4(RPGRIP1):c.2291C>T (p.Ala764Val)

Gene: RPGRIP1 (RPGR interacting protein 1; plus strand). Cytogenetic location: 14q11.2.
Variant type: single nucleotide variant.
Coding change: c.2291C>T on transcript NM_020366.4 (MANE Select); coding-DNA position 2291, C replaced by T.
Protein change: p.Ala764Val; replaces alanine 764 with valine.
Molecular consequence: missense variant. On other transcripts: intron variant (4).
Genome position (GRCh38, 1-based): chr14:21,325,307, C>T. VCF-style: chr14-21325307-C-T. GRCh37 (hg19) VCF-style: chr14-21793466-C-T.
Other names: c.1217C>T, p.Ala406Val (NM_001377948.1); c.796+582C>T (NM_001377949.1); c.689-2316C>T (NM_001377523.1, NM_001377950.1); c.191-2316C>T (NM_001377951.1); short protein forms A764V, A406V.
Identifiers: ClinVar variation 1047479 (VCV001047479.10), dbSNP rs758652031, ClinGen allele CA7089207.